The following is an entry in ClinVar:

ClinVar aggregate classification (germline): Uncertain significance (1 of 4 stars; one submission).

Conditions:
Gingival disorder. Also called: Gingival disease. Identifiers: MedGen C0017563, MONDO:0002021.

Allele frequency attached by ClinVar (database versions not stated): gnomAD exomes 0.00001; TOPMed 0.00001.
gnomAD v4.1: 16 of 1,614,062 alleles (0.00099%); highest among the groups gnomAD compares: South Asian, 0.0033%; no homozygotes.

Submission:

Labcorp Genetics (formerly Invitae), Labcorp
Classification: Uncertain significance for Gingival disorder. Last evaluated: 2019-11-27. Review status: criteria provided, single submitter. Criteria: Invitae Variant Classification Sherloc (09022015). Collection method: clinical testing. Allele origin: germline.
Comment: In summary, the available evidence is currently insufficient to determine the role of this variant in disease. Therefore, it has been classified as a Variant of Uncertain Significance. Algorithms developed to predict the effect of missense changes on protein structure and function are either unavailable or do not agree on the potential impact of this missense change (SIFT: "Deleterious"; PolyPhen-2: "Benign"; Align-GVGD: "Class C0"). This variant has not been reported in the literature in individuals with FPR1-related conditions. This variant is not present in population databases (ExAC no frequency). This sequence change replaces arginine with tryptophan at codon 205 of the FPR1 protein (p.Arg205Trp). The arginine residue is highly conserved and there is a moderate physicochemical difference between arginine and tryptophan.

NM_002029.4(FPR1):c.613C>T (p.Arg205Trp)

Gene: FPR1 (formyl peptide receptor 1; minus strand). Cytogenetic location: 19q13.41.
Variant type: single nucleotide variant.
Coding change: c.613C>T on transcript NM_002029.4 (MANE Select); coding-DNA position 613, C replaced by T.
Protein change: p.Arg205Trp; replaces arginine 205 with tryptophan.
Molecular consequence: missense variant.
Genome position (GRCh38, 1-based): chr19:51,746,382, G>A on the plus strand (C>T on the coding strand, the complement: FPR1 is on the minus strand). VCF-style: chr19-51746382-G-A. GRCh37 (hg19) VCF-style: chr19-52249635-G-A.
Other names: c.613C>T, p.Arg205Trp (NM_001193306.2); short protein forms R205W.
Identifiers: ClinVar variation 851750 (VCV000851750.11), dbSNP rs1489945041, ClinGen allele CA407117900.
Genomic context (GRCh38, chr19:51,746,382, plus strand): 5'-CAATAAGCCCATAACTGACAGCAACGATGGACATGGGTGCGCTGAAGCCAATGATGAACC[G>A]GATGATGCCTCTCACCGTCAACATGGCAACGGCCACATTTATCCTCTCTTTAGGGTCGTT-3'
Protein context (NP_002020.1, residues 195-215): VAMLTVRGII[Arg205Trp]FIIGFSAPMS